The following is an entry in ClinVar:

ClinVar aggregate classification (germline): Likely benign (1 of 4 stars; one submission).

Conditions:
GFRA1-related disorder. Also called: GFRA1-related condition.

gnomAD v4.1: 211 of 1,613,896 alleles (0.013%); highest among the groups gnomAD compares: East Asian, 0.3%; 1 homozygote.

Submission:

PreventionGenetics, part of Exact Sciences
Classification: Likely benign for GFRA1-related condition. Last evaluated: 2026-07-27. Review status: criteria provided, single submitter. Criteria: ACMG Guidelines, 2015. Collection method: clinical testing. Allele origin: germline.
Comment: This variant is classified as likely benign based on ACMG/AMP sequence variant interpretation guidelines (Richards et al. 2015 PMID: 25741868, with internal and published modifications).

NM_005264.8(GFRA1):c.1047C>T (p.Ser349=)

Gene: GFRA1 (GDNF family receptor alpha 1; minus strand). Cytogenetic location: 10q25.3.
Variant type: single nucleotide variant.
Coding change: c.1047C>T on transcript NM_005264.8 (MANE Select); coding-DNA position 1047, C replaced by T.
Protein change: p.Ser349=; no amino-acid change (serine 349 retained).
Molecular consequence: synonymous variant.
Genome position (GRCh38, 1-based): chr10:116,089,891, G>A on the plus strand (C>T on the coding strand, the complement: GFRA1 is on the minus strand). VCF-style: chr10-116089891-G-A. GRCh37 (hg19) VCF-style: chr10-117849402-G-A.
Other names: c.1032C>T, p.Ser344= (NM_001145453.4, NM_001348096.3, NM_001382556.2 and 6 more transcripts); c.1047C>T, p.Ser349= (NM_001348098.4); c.684C>T, p.Ser228= (NM_001348099.3).
Identifiers: ClinVar variation 4982492 (VCV004982492.1).